The following is an entry in ClinVar:

NM_002473.6(MYH9):c.4247C>T (p.Thr1416Met)

Gene: MYH9 (myosin heavy chain 9; minus strand). Cytogenetic location: 22q12.3.
Variant type: single nucleotide variant.
Coding change: c.4247C>T on transcript NM_002473.6 (MANE Select); coding-DNA position 4247, C replaced by T.
Protein change: p.Thr1416Met; replaces threonine 1416 with methionine.
Molecular consequence: missense variant.
Genome position (GRCh38, 1-based): chr22:36,292,083, G>A on the plus strand (C>T on the coding strand, the complement: MYH9 is on the minus strand). VCF-style: chr22-36292083-G-A. GRCh37 (hg19) VCF-style: chr22-36688129-G-A.
Other names: short protein forms T1416M.
Identifiers: ClinVar variation 228928 (VCV000228928.15), dbSNP rs758626716, ClinGen allele CA10209422.

ClinVar aggregate classification (germline): Conflicting classifications of pathogenicity. Review status: criteria provided, conflicting classifications (1 of 4 stars). 6 submissions from 5 submitters: Uncertain significance (3); Likely benign (3). Last evaluated 2024-06-30.

Conditions:
MYH9-related disorder. Identifiers: MedGen C1854520.
Autosomal dominant nonsyndromic hearing loss 17. Also called: Deafness, autosomal dominant 17; Autosomal dominant nonsyndromic deafness 17. Identifiers: Orphanet 90635, MedGen C1863659, MONDO:0011350, OMIM 603622.

Allele frequency attached by ClinVar (database versions not stated): ExAC 0.00002; gnomAD 0.00011 and 0.00010; TOPMed 0.00016; gnomAD exomes 0.00005.
gnomAD v4.1: 132 of 1,614,042 alleles (0.0082%); highest among the groups gnomAD compares: Admixed American, 0.032%; no homozygotes.

Submissions (6):

Labcorp Genetics (formerly Invitae), Labcorp
Classification: Likely benign. Last evaluated: 2024-06-30. Review status: criteria provided, single submitter. Criteria: Invitae Variant Classification Sherloc (09022015). Collection method: clinical testing. Allele origin: germline.

Blueprint Genetics
Classification: Likely benign. Last evaluated: 2023-08-09. Review status: criteria provided, single submitter. Criteria: ACMG Guidelines, 2015. Collection method: clinical testing. Allele origin: germline.

GeneDx
Classification: Likely benign. Last evaluated: 2021-03-15. Review status: criteria provided, single submitter. Criteria: GeneDx Variant Classification Process June 2021. Collection method: clinical testing. Allele origin: germline. Affected: yes.
Comment: In silico analysis, which includes protein predictors and evolutionary conservation, supports that this variant does not alter protein structure/function; Has not been previously published in relationship to MYH9-related disorders as pathogenic or benign to our knowledge; This variant is associated with the following publications: (PMID: 25752595)

Illumina Laboratory Services, Illumina
Classification: Uncertain significance for Autosomal dominant nonsyndromic hearing loss 17. Last evaluated: 2017-04-27. Review status: criteria provided, single submitter. Criteria: ICSL Variant Classification Criteria 13 December 2019. Collection method: clinical testing. Allele origin: germline.

Illumina Laboratory Services, Illumina
Classification: Uncertain significance for MYH9-related disorder. Last evaluated: 2017-04-27. Review status: criteria provided, single submitter. Criteria: ICSL Variant Classification Criteria 13 December 2019. Collection method: clinical testing. Allele origin: germline.
Comment: This variant was observed as part of a predisposition screen in an ostensibly healthy population. A literature search was performed for the gene, cDNA change, and amino acid change (where applicable). Publications were found based on this search. However, the evidence from the literature, in combination with allele frequency data from public databases where available, was not sufficient to rule this variant in or out of causing disease. Therefore, this variant is classified as a variant of unknown significance.

Laboratory for Molecular Medicine, Mass General Brigham Personalized Medicine
Classification: Uncertain significance. Last evaluated: 2015-08-04. Review status: criteria provided, single submitter. Criteria: LMM Criteria. Collection method: clinical testing. Allele origin: germline. Observed: 1 variant allele.
Comment: The p.Thr1416Met variant in MYH9 has not been previously reported in individuals with hearing loss, but has been identified in 2/66686 European chromosomes by t he Exome Aggregation Consortium (ExAC). Computat ional prediction tools and conservation analysis suggest that the variant may im pact the protein, though this information is not predictive enough to determine pathogenicity. In summary, the clinical significance of the p.Thr1416Met variant is uncertain.

Literature cited by the submitters: PubMed 25752595 (cited by Illumina Laboratory Services, Illumina).